The following is an entry in ClinVar:

NM_002353.3(TACSTD2):c.*565G>T

Gene: TACSTD2 (tumor associated calcium signal transducer 2; minus strand). Cytogenetic location: 1p32.1.
Variant type: single nucleotide variant.
Coding change: c.*565G>T on transcript NM_002353.3 (MANE Select); 565 bases downstream of the stop codon, G replaced by T.
Molecular consequence: 3 prime UTR variant.
Genome position (GRCh38, 1-based): chr1:58,575,620, C>A on the plus strand (G>T on the coding strand, the complement: TACSTD2 is on the minus strand). VCF-style: chr1-58575620-C-A. GRCh37 (hg19) VCF-style: chr1-59041292-C-A.
Identifiers: ClinVar variation 297753 (VCV000297753.5), dbSNP rs528472691, ClinGen allele CA10610545.
Genomic context (GRCh38, chr1:58,575,620, plus strand): 5'-GCTGAAGAATAAATAGACTGAGTTTCCGGGCAATGTCTGTCCTCAAAGACATCCAAACTG[C>A]GTTCAGGCAGCTGAAACAGGCTTCTTTCCCAGTGACAAGCATATGTGGTCAGTAATACAA-3'

ClinVar aggregate classification (germline): Benign (1 of 4 stars; one submission).

Conditions:
Gelatinous droplike corneal dystrophy (GDLD). Also called: AMYLOID CORNEAL DYSTROPHY, JAPANESE TYPE. Identifiers: Orphanet 98957, MedGen C0339273, MONDO:0008777, OMIM 204870.

Allele frequency attached by ClinVar (database versions not stated): gnomAD below 0.00001 and 0.00036; TOPMed 0.00008; 1000 Genomes Project 30x 0.00328; 1000 Genomes Project 0.00359.

Submission:

Illumina Laboratory Services, Illumina
Classification: Benign for Gelatinous droplike corneal dystrophy. Last evaluated: 2018-01-13. Review status: criteria provided, single submitter. Criteria: ICSL Variant Classification Criteria 13 December 2019. Collection method: clinical testing. Allele origin: germline.
Comment: This variant was observed in the ICSL laboratory as part of a predisposition screen in an ostensibly healthy population. It had not been previously curated by ICSL or reported in the Human Gene Mutation Database (HGMD: prior to June 1st, 2018), and was therefore a candidate for classification through an automated scoring system. Utilizing variant allele frequency, disease prevalence and penetrance estimates, and inheritance mode, an automated score was calculated to assess if this variant is too frequent to cause the disease. Based on the score and internal cut-off values, a variant classified as benign is not then subjected to further curation. The score for this variant resulted in a classification of benign for this disease.